The following is an entry in ClinVar:

NM_031924.8(RSPH3):c.179C>G (p.Thr60Ser)

Gene: RSPH3 (radial spoke head 3; minus strand). Cytogenetic location: 6q25.3.
Variant type: single nucleotide variant.
Coding change: c.179C>G on transcript NM_031924.8 (MANE Select); coding-DNA position 179, C replaced by G.
Protein change: p.Thr60Ser; replaces threonine 60 with serine.
Molecular consequence: missense variant. On other transcripts: non-coding transcript variant (1).
Genome position (GRCh38, 1-based): chr6:158,993,864, G>C on the plus strand (C>G on the coding strand, the complement: RSPH3 is on the minus strand). VCF-style: chr6-158993864-G-C. GRCh37 (hg19) VCF-style: chr6-159414896-G-C.
Other names: c.605C>G, p.Thr202Ser (NM_001346418.1); short protein forms T60S, T202S.
Identifiers: ClinVar variation 1963933 (VCV001963933.5), dbSNP rs780250936, ClinGen allele CA4075972.

ClinVar aggregate classification (germline): Uncertain significance (1 of 4 stars; one submission).

Conditions:
Primary ciliary dyskinesia 32. Also called: CILIARY DYSKINESIA, PRIMARY, 32, WITHOUT SITUS INVERSUS. Identifiers: Orphanet 244, MedGen C4225311, MONDO:0014657, OMIM 616481.

Allele frequency attached by ClinVar (database versions not stated): gnomAD exomes below 0.00001; ExAC 0.00001.

Submission:

Labcorp Genetics (formerly Invitae), Labcorp
Classification: Uncertain significance for Primary ciliary dyskinesia 32. Last evaluated: 2022-09-13. Review status: criteria provided, single submitter. Criteria: Invitae Variant Classification Sherloc (09022015). Collection method: clinical testing. Allele origin: germline.
Comment: In summary, the available evidence is currently insufficient to determine the role of this variant in disease. Therefore, it has been classified as a Variant of Uncertain Significance. Algorithms developed to predict the effect of missense changes on protein structure and function are either unavailable or do not agree on the potential impact of this missense change (SIFT: "Tolerated"; PolyPhen-2: "Probably Damaging"; Align-GVGD: "Class C0"). This variant has not been reported in the literature in individuals affected with RSPH3-related conditions. This variant is present in population databases (rs780250936, gnomAD 0.006%). This sequence change replaces threonine, which is neutral and polar, with serine, which is neutral and polar, at codon 202 of the RSPH3 protein (p.Thr202Ser).